The following is an entry in ClinVar:

NM_000160.5(GCGR):c.474C>T (p.Leu158=)

Gene: GCGR (glucagon receptor; plus strand). Cytogenetic location: 17q25.3.
Variant type: single nucleotide variant.
Coding change: c.474C>T on transcript NM_000160.5 (MANE Select); coding-DNA position 474, C replaced by T.
Protein change: p.Leu158=; no amino-acid change (leucine 158 retained).
Molecular consequence: synonymous variant.
Genome position (GRCh38, 1-based): chr17:81,811,302, C>T. VCF-style: chr17-81811302-C-T. GRCh37 (hg19) VCF-style: chr17-79769178-C-T.
Other names: c.474C>T (NM_000160.4).
Identifiers: ClinVar variation 2698555 (VCV002698555.5), dbSNP rs372925021, ClinGen allele CA8842063.

ClinVar aggregate classification (germline): Likely benign. Review status: criteria provided, single submitter (1 of 4 stars). 2 submissions from 2 submitters: Likely benign (1). 1 of the submissions does not count toward it. Last evaluated 2023-09-12.

Conditions:
GCGR-related disorder. Also called: GCGR-related condition.

Allele frequency attached by ClinVar (database versions not stated): gnomAD exomes 0.00001; gnomAD 0.00003; TOPMed 0.00004.

Submissions (2):

Labcorp Genetics (formerly Invitae), Labcorp
Classification: Likely benign. Last evaluated: 2023-09-12. Review status: criteria provided, single submitter. Criteria: Invitae Variant Classification Sherloc (09022015). Collection method: clinical testing. Allele origin: germline.

PreventionGenetics, part of Exact Sciences
Classification: Likely benign for GCGR-related condition. Last evaluated: 2019-08-26. Review status: no assertion criteria provided. Collection method: clinical testing. Allele origin: germline. Not counted in ClinVar's aggregate classification.
Comment: This variant is classified as likely benign based on ACMG/AMP sequence variant interpretation guidelines (Richards et al. 2015 PMID: 25741868, with internal and published modifications).